The following is an entry in ClinVar:

NM_032520.5(GNPTG):c.609+1G>T

Gene: GNPTG (N-acetylglucosamine-1-phosphate transferase subunit gamma; plus strand). Cytogenetic location: 16p13.3.
Variant type: single nucleotide variant.
Coding change: c.609+1G>T on transcript NM_032520.5 (MANE Select); the canonical splice donor site of the intron after coding-DNA position 609, G replaced by T.
Molecular consequence: splice donor variant.
Genome position (GRCh38, 1-based): chr16:1,362,535, G>T. VCF-style: chr16-1362535-G-T. GRCh37 (hg19) VCF-style: chr16-1412536-G-T.
Identifiers: ClinVar variation 1429702 (VCV001429702.8), dbSNP rs1260510628, ClinGen allele CA394188369.

ClinVar aggregate classification (germline): Pathogenic (1 of 4 stars; one submission).

Allele frequency attached by ClinVar (database versions not stated): TOPMed below 0.00001.

Submission:

Labcorp Genetics (formerly Invitae), Labcorp
Classification: Pathogenic. Last evaluated: 2023-06-24. Review status: criteria provided, single submitter. Criteria: Invitae Variant Classification Sherloc (09022015). Collection method: clinical testing. Allele origin: germline.
Comment: For these reasons, this variant has been classified as Pathogenic. Algorithms developed to predict the effect of sequence changes on RNA splicing suggest that this variant may disrupt the consensus splice site. ClinVar contains an entry for this variant (Variation ID: 1429702). Disruption of this splice site has been observed in individuals with mucolipidosis type III gamma (PMID: 24316125, 29872134). This variant is not present in population databases (gnomAD no frequency). This sequence change affects a donor splice site in intron 8 of the GNPTG gene. It is expected to disrupt RNA splicing. Variants that disrupt the donor or acceptor splice site typically lead to a loss of protein function (PMID: 16199547), and loss-of-function variants in GNPTG are known to be pathogenic (PMID: 19370764, 20301784).

Literature cited by the submitters: PubMed 24316125; PubMed 29872134; PubMed 16199547; PubMed 19370764; PubMed 20301784.